The following is an entry in ClinVar:

ClinVar aggregate classification (germline): Pathogenic/Likely pathogenic. Review status: criteria provided, multiple submitters, no conflicts (2 of 4 stars). 2 submissions from 2 submitters: Pathogenic (1); Likely pathogenic (1). Last evaluated 2021-09-24.

Conditions:
CRB1-related disorder. Also called: CRB1-related condition; CRB1-related disorders.
Leber congenital amaurosis 8 (LCA8). Identifiers: Orphanet 65, MedGen C3151202, MONDO:0013453, OMIM 613835.
Retinitis pigmentosa 12 (RP12). Also called: RP WITH OR WITHOUT PPRPE; RP WITH OR WITHOUT PRESERVED PARAARTERIOLE RETINAL PIGMENT EPITHELIUM; RETINITIS PIGMENTOSA WITH OR WITHOUT PARAARTERIOLAR PRESERVATION OF RETINAL PIGMENT EPITHELIUM. Identifiers: Orphanet 791, MedGen C1838647, MONDO:0010818, OMIM 600105.

Submissions (2):

Blueprint Genetics
Classification: Likely pathogenic for CRB1-related disorders. Last evaluated: 2021-09-24. Review status: criteria provided, single submitter. Criteria: ACMG Guidelines, 2015. Collection method: clinical testing. Allele origin: germline. Affected: yes. Observed: 1 variant allele.

Labcorp Genetics (formerly Invitae), Labcorp
Classification: Pathogenic for Leber congenital amaurosis 8; Retinitis pigmentosa 12. Last evaluated: 2019-09-28. Review status: criteria provided, single submitter. Criteria: Invitae Variant Classification Sherloc (09022015). Collection method: clinical testing. Allele origin: germline.
Comment: For these reasons, this variant has been classified as Pathogenic. Loss-of-function variants in CRB1 are known to be pathogenic (PMID: 10508521, 22065545, 23379534, 25412400, 26957898, 28041643, 29391521). This variant has not been reported in the literature in individuals with CRB1-related conditions. This variant is not present in population databases (ExAC no frequency). This sequence change creates a premature translational stop signal (p.Gln127*) in the CRB1 gene. It is expected to result in an absent or disrupted protein product.

Literature cited by the submitters: PubMed 10508521 (cited by Labcorp Genetics (formerly Invitae), Labcorp); PubMed 22065545 (cited by Labcorp Genetics (formerly Invitae), Labcorp); PubMed 23379534 (cited by Labcorp Genetics (formerly Invitae), Labcorp); PubMed 25412400 (cited by Labcorp Genetics (formerly Invitae), Labcorp); PubMed 26957898 (cited by Labcorp Genetics (formerly Invitae), Labcorp); PubMed 28041643 (cited by Labcorp Genetics (formerly Invitae), Labcorp); PubMed 29391521 (cited by Labcorp Genetics (formerly Invitae), Labcorp).

NM_201253.3(CRB1):c.379C>T (p.Gln127Ter)

Gene: CRB1 (crumbs cell polarity complex component 1; plus strand). Cytogenetic location: 1q31.3.
Variant type: single nucleotide variant.
Coding change: c.379C>T on transcript NM_201253.3 (MANE Select); coding-DNA position 379, C replaced by T.
Protein change: p.Gln127Ter; replaces glutamine 127 with a stop codon.
Molecular consequence: nonsense. On other transcripts: non-coding transcript variant (2).
Genome position (GRCh38, 1-based): chr1:197,328,730, C>T. VCF-style: chr1-197328730-C-T. GRCh37 (hg19) VCF-style: chr1-197297860-C-T.
Other names: c.379C>T, p.Gln127Ter (NM_001193640.2, NM_001257966.2); c.172C>T, p.Gln58Ter (NM_001257965.2); short protein forms Q127*, Q58*.
Identifiers: ClinVar variation 936131 (VCV000936131.8), dbSNP rs1658673791, ClinGen allele CA344085642.